The following is an entry in ClinVar:

ClinVar aggregate classification (germline): Uncertain significance (1 of 4 stars; one submission).

Submission:

Laboratorio de Genetica e Diagnostico Molecular, Hospital Israelita Albert Einstein
Classification: Uncertain significance. Last evaluated: 2019-10-14. Review status: criteria provided, single submitter. Criteria: ACMG Guidelines, 2015. Collection method: clinical testing. Allele origin: germline. Affected: yes.
Comment: ACMG classification criteria: PM2, PP3

NM_001145809.2(MYH14):c.5504G>T (p.Arg1835Leu)

Gene: MYH14 (myosin heavy chain 14; plus strand). Cytogenetic location: 19q13.33.
Variant type: single nucleotide variant.
Coding change: c.5504G>T on transcript NM_001145809.2 (MANE Select); coding-DNA position 5504, G replaced by T.
Protein change: p.Arg1835Leu; replaces arginine 1835 with leucine.
Molecular consequence: missense variant.
Genome position (GRCh38, 1-based): chr19:50,301,695, G>T. VCF-style: chr19-50301695-G-T. GRCh37 (hg19) VCF-style: chr19-50804952-G-T.
Other names: c.5405G>T, p.Arg1802Leu (NM_001077186.2); c.5381G>T, p.Arg1794Leu (NM_024729.4); short protein forms R1794L, R1802L, R1835L.
Identifiers: ClinVar variation 1690706 (VCV001690706.2), dbSNP rs754861302, ClinGen allele CA406964731.
Genomic context (GRCh38, chr19:50,301,695, plus strand): 5'-CATCCTTCCTTCCCCTCCTGCTACAGGTAGAGTCACTGACCACAGAGCTGTCAGCTGAGC[G>T]CAGTTTCTCAGCCAAGGCAGAGAGCGGGCGGCAGCAGCTGGAACGGCAGATCCAGGAGCT-3'
Protein context (NP_001139281.1, residues 1825-1845): ESLTTELSAE[Arg1835Leu]SFSAKAESGR